The following is an entry in ClinVar:

ClinVar aggregate classification (germline): Uncertain significance (1 of 4 stars; one submission).

Submission:

Labcorp Genetics (formerly Invitae), Labcorp
Classification: Uncertain significance. Last evaluated: 2024-10-26. Review status: criteria provided, single submitter. Criteria: Invitae Variant Classification Sherloc (09022015). Collection method: clinical testing. Allele origin: germline.
Comment: This variant, c.240_257del, results in the deletion of 6 amino acid(s) of the ARIH1 protein (p.Gly85_Gly90del), but otherwise preserves the integrity of the reading frame. This variant is not present in population databases (gnomAD no frequency). This variant has not been reported in the literature in individuals affected with ARIH1-related conditions. Experimental studies and prediction algorithms are not available or were not evaluated, and the functional significance of this variant is currently unknown. In summary, the available evidence is currently insufficient to determine the role of this variant in disease. Therefore, it has been classified as a Variant of Uncertain Significance.

NM_005744.5(ARIH1):c.237CGG[1] (p.Gly85_Gly90del)

Gene: ARIH1 (ariadne RBR E3 ubiquitin protein ligase 1; plus strand). Cytogenetic location: 15q24.1.
Variant type: Microsatellite.
Coding change: c.237CGG[1] on transcript NM_005744.5 (MANE Select); one copy of the 3-base unit CGG starting at c.237; the reference has seven copies in a row; six copies, 18 bases deleted.
Protein change: p.Gly85_Gly90del.
Molecular consequence: inframe deletion.
Genome position (GRCh38, 1-based): chr15:72,474,879-72,474,896, CGGCGGCGGCGGCGGCGG deleted; deleting any 18 consecutive bases within chr15:72,474,874-72,474,896 gives the same sequence; the position shown is the placement nearest the transcript's 3' end. VCF-style (leftmost placement, unchanged base first): chr15-72474873-TGGCGGCGGCGGCGGCGGC-T. GRCh37 (hg19) VCF-style: chr15-72767214-TGGCGGCGGCGGCGGCGGC-T.
Identifiers: ClinVar variation 3628163 (VCV003628163.2).